The following is an entry in ClinVar:

NM_000095.3(COMP):c.964C>T (p.Pro322Ser)

Gene: COMP (cartilage oligomeric matrix protein; minus strand). Cytogenetic location: 19p13.11.
Variant type: single nucleotide variant.
Coding change: c.964C>T on transcript NM_000095.3 (MANE Select); coding-DNA position 964, C replaced by T.
Protein change: p.Pro322Ser; replaces proline 322 with serine.
Molecular consequence: missense variant.
Genome position (GRCh38, 1-based): chr19:18,788,223, G>A on the plus strand (C>T on the coding strand, the complement: COMP is on the minus strand). VCF-style: chr19-18788223-G-A. GRCh37 (hg19) VCF-style: chr19-18899032-G-A.
Other names: short protein forms P322S.
Identifiers: ClinVar variation 3039199 (VCV003039199.3), dbSNP rs769921604, ClinGen allele CA9316573.

ClinVar aggregate classification (germline): Uncertain significance. Review status: criteria provided, single submitter (1 of 4 stars). 2 submissions from 2 submitters: Uncertain significance (1). 1 of the submissions does not count toward it. Last evaluated 2025-10-21.

Conditions:
COMP-related disorder. Also called: COMP-related disorders; COMP-related condition.

Allele frequency attached by ClinVar (database versions not stated): ExAC 0.00002.
gnomAD v4.1: 14 of 1,612,998 alleles (0.00087%); highest among the groups gnomAD compares: Non-Finnish European, 0.0012%; no homozygotes.

Submissions (2):

Labcorp Genetics (formerly Invitae), Labcorp
Classification: Uncertain significance. Last evaluated: 2025-10-21. Review status: criteria provided, single submitter. Criteria: Invitae Variant Classification Sherloc (09022015). Collection method: clinical testing. Allele origin: germline.
Comment: This sequence change replaces proline, which is neutral and non-polar, with serine, which is neutral and polar, at codon 322 of the COMP protein (p.Pro322Ser). This variant is present in population databases (rs769921604, gnomAD 0.002%). This variant has not been reported in the literature in individuals affected with COMP-related conditions. ClinVar contains an entry for this variant (Variation ID: 3039199). Invitae Evidence Modeling of protein sequence and biophysical properties (such as structural, functional, and spatial information, amino acid conservation, physicochemical variation, residue mobility, and thermodynamic stability) indicates that this missense variant is not expected to disrupt COMP protein function with a negative predictive value of 80%. In summary, the available evidence is currently insufficient to determine the role of this variant in disease. Therefore, it has been classified as a Variant of Uncertain Significance.

PreventionGenetics, part of Exact Sciences
Classification: Uncertain significance for COMP-related condition. Last evaluated: 2023-12-19. Review status: no assertion criteria provided. Collection method: clinical testing. Allele origin: germline. Not counted in ClinVar's aggregate classification.
Comment: The COMP c.964C>T variant is predicted to result in the amino acid substitution p.Pro322Ser. To our knowledge, this variant has not been reported in the literature. This variant is reported in 0.0029% of alleles in individuals of Latino descent in gnomAD. At this time, the clinical significance of this variant is uncertain due to the absence of conclusive functional and genetic evidence.